The following is an entry in ClinVar:

NM_001042545.2(LTBP4):c.3410A>G (p.Gln1137Arg)

Gene: LTBP4 (latent transforming growth factor beta binding protein 4; plus strand). Cytogenetic location: 19q13.2.
Variant type: single nucleotide variant.
Coding change: c.3410A>G on transcript NM_001042545.2 (MANE Select); coding-DNA position 3410, A replaced by G.
Protein change: p.Gln1137Arg; replaces glutamine 1137 with arginine.
Molecular consequence: missense variant.
Genome position (GRCh38, 1-based): chr19:40,622,593, A>G. VCF-style: chr19-40622593-A-G. GRCh37 (hg19) VCF-style: chr19-41128498-A-G.
Other names: c.3611A>G, p.Gln1204Arg (NM_001042544.1); c.3500A>G, p.Gln1167Arg (NM_003573.2); short protein forms Q1137R, Q1167R, Q1204R.
Identifiers: ClinVar variation 1368502 (VCV001368502.4), dbSNP rs774129666, ClinGen allele CA9448995.

ClinVar aggregate classification (germline): Uncertain significance (1 of 4 stars; one submission).

Allele frequency attached by ClinVar (database versions not stated): gnomAD exomes below 0.00001 and 0.00001; ExAC 0.00001; gnomAD 0.00002; TOPMed 0.00002.
gnomAD v4.1: 25 of 1,613,526 alleles (0.0015%); highest among the groups gnomAD compares: Non-Finnish European, 0.0019%; no homozygotes.

Submission:

Labcorp Genetics (formerly Invitae), Labcorp
Classification: Uncertain significance. Last evaluated: 2021-07-18. Review status: criteria provided, single submitter. Criteria: Invitae Variant Classification Sherloc (09022015). Collection method: clinical testing. Allele origin: germline.
Comment: In summary, the available evidence is currently insufficient to determine the role of this variant in disease. Therefore, it has been classified as a Variant of Uncertain Significance. Experimental studies and prediction algorithms are not available or were not evaluated, and the functional significance of this variant is currently unknown. This variant has not been reported in the literature in individuals affected with LTBP4-related conditions. This variant is present in population databases (rs774129666, ExAC 0.002%). This sequence change replaces glutamine with arginine at codon 1167 of the LTBP4 protein (p.Gln1167Arg). The glutamine residue is highly conserved and there is a small physicochemical difference between glutamine and arginine.